The following is an entry in ClinVar:

ClinVar aggregate classification (germline): Uncertain significance (1 of 4 stars; one submission).

Allele frequency attached by ClinVar (database versions not stated): gnomAD exomes below 0.00001.
gnomAD v4.1: 4 of 1,613,518 alleles (0.00025%); highest among the groups gnomAD compares: South Asian, 0.0044%; no homozygotes.

Submission:

Labcorp Genetics (formerly Invitae), Labcorp
Classification: Uncertain significance. Last evaluated: 2022-04-29. Review status: criteria provided, single submitter. Criteria: Invitae Variant Classification Sherloc (09022015). Collection method: clinical testing. Allele origin: germline.
Comment: In summary, the available evidence is currently insufficient to determine the role of this variant in disease. Therefore, it has been classified as a Variant of Uncertain Significance. Algorithms developed to predict the effect of missense changes on protein structure and function (SIFT, PolyPhen-2, Align-GVGD) all suggest that this variant is likely to be tolerated. This variant has not been reported in the literature in individuals affected with SC5D-related conditions. This variant is not present in population databases (gnomAD no frequency). This sequence change replaces lysine, which is basic and polar, with asparagine, which is neutral and polar, at codon 78 of the SC5D protein (p.Lys78Asn).

NM_006918.5(SC5D):c.234G>C (p.Lys78Asn)

Gene: SC5D (sterol-C5-desaturase; plus strand). Cytogenetic location: 11q24.1.
Variant type: single nucleotide variant.
Coding change: c.234G>C on transcript NM_006918.5 (MANE Select); coding-DNA position 234, G replaced by C.
Protein change: p.Lys78Asn; replaces lysine 78 with asparagine.
Molecular consequence: missense variant.
Genome position (GRCh38, 1-based): chr11:121,304,384, G>C. VCF-style: chr11-121304384-G-C. GRCh37 (hg19) VCF-style: chr11-121175093-G-C.
Other names: c.234G>C, p.Lys78Asn (NM_001024956.3); short protein forms K78N.
Identifiers: ClinVar variation 1926554 (VCV001926554.5), dbSNP rs2497113099, ClinGen allele CA383027136.